The following is an entry in ClinVar:

ClinVar aggregate classification (germline): Conflicting classifications of pathogenicity. Review status: criteria provided, conflicting classifications (1 of 4 stars). 3 submissions from 3 submitters: Uncertain significance (2); Likely benign (1). Last evaluated 2025-12-09.

Conditions:
Hereditary cancer-predisposing syndrome. Also called: Tumor predisposition; Hereditary neoplastic syndrome; Neoplastic Syndromes, Hereditary; Hereditary Cancer Syndrome. Identifiers: Orphanet 140162, MedGen C0027672, MeSH D009386, MONDO:0015356.

Allele frequency attached by ClinVar (database versions not stated): gnomAD exomes below 0.00001.
gnomAD v4.1: 1 of 1,614,030 alleles (0.000062%); highest among the groups gnomAD compares: Non-Finnish European, 0.000085%; no homozygotes.

Submissions (3):

Ambry Genetics
Classification: Likely benign for Hereditary cancer-predisposing syndrome. Last evaluated: 2025-12-09. Review status: criteria provided, single submitter. Criteria: Ambry Variant Classification Scheme 2023. Collection method: clinical testing. Allele origin: germline.

Labcorp Genetics (formerly Invitae), Labcorp
Classification: Uncertain significance. Last evaluated: 2023-12-04. Review status: criteria provided, single submitter. Criteria: Invitae Variant Classification Sherloc (09022015). Collection method: clinical testing. Allele origin: germline.
Comment: This sequence change replaces isoleucine, which is neutral and non-polar, with valine, which is neutral and non-polar, at codon 1884 of the POLE protein (p.Ile1884Val). This variant is not present in population databases (gnomAD no frequency). This variant has not been reported in the literature in individuals affected with POLE-related conditions. ClinVar contains an entry for this variant (Variation ID: 846801). Advanced modeling of protein sequence and biophysical properties (such as structural, functional, and spatial information, amino acid conservation, physicochemical variation, residue mobility, and thermodynamic stability) performed at Invitae indicates that this missense variant is not expected to disrupt POLE protein function with a negative predictive value of 80%. In summary, the available evidence is currently insufficient to determine the role of this variant in disease. Therefore, it has been classified as a Variant of Uncertain Significance.

Quest Diagnostics Nichols Institute San Juan Capistrano
Classification: Uncertain significance. Last evaluated: 2020-01-02. Review status: criteria provided, single submitter. Criteria: Quest Diagnostics criteria. Collection method: clinical testing. Allele origin: unknown.

NM_006231.4(POLE):c.5650A>G (p.Ile1884Val)

Gene: POLE (DNA polymerase epsilon, catalytic subunit; minus strand). Cytogenetic location: 12q24.33.
Variant type: single nucleotide variant.
Coding change: c.5650A>G on transcript NM_006231.4 (MANE Select); coding-DNA position 5650, A replaced by G.
Protein change: p.Ile1884Val; replaces isoleucine 1884 with valine.
Molecular consequence: missense variant.
Genome position (GRCh38, 1-based): chr12:132,638,042, T>C on the plus strand (A>G on the coding strand, the complement: POLE is on the minus strand). VCF-style: chr12-132638042-T-C. GRCh37 (hg19) VCF-style: chr12-133214628-T-C.
Other names: c.5650A>G (NM_006231.2); short protein forms I1884V.
Identifiers: ClinVar variation 846801 (VCV000846801.11), dbSNP rs2042069041, ClinGen allele CA387373985.